The following is an entry in ClinVar:

NM_000533.5(PLP1):c.763C>T (p.Leu255Phe)

Genes: RAB9B (RAB9B, member RAS oncogene family; minus strand), PLP1 (proteolipid protein 1; plus strand). Cytogenetic location: Xq22.2.
Variant type: single nucleotide variant.
Coding change: c.763C>T on transcript NM_000533.5 (MANE Select); coding-DNA position 763, C replaced by T.
Protein change: p.Leu255Phe; replaces leucine 255 with phenylalanine.
Molecular consequence: missense variant.
Genome position (GRCh38, 1-based): chrX:103,790,527, C>T. VCF-style: chrX-103790527-C-T. GRCh37 (hg19) VCF-style: chrX-103045455-C-T.
Other names: c.763C>T (NM_000533.3); c.763C>T, p.Leu255Phe (NM_001128834.3); c.598C>T, p.Leu200Phe (NM_001305004.1); c.658C>T, p.Leu220Phe (NM_199478.3); short protein forms L200F, L220F, L255F.
Identifiers: ClinVar variation 1344467 (VCV001344467.4), dbSNP rs2147769209, ClinGen allele CA414104804.

ClinVar aggregate classification (germline): Uncertain significance. Review status: criteria provided, multiple submitters, no conflicts (2 of 4 stars). 2 submissions from 2 submitters: Uncertain significance (2). Last evaluated 2024-05-11.

Conditions:
Hereditary spastic paraplegia. Also called: Familial spastic paraparesis. Identifiers: Orphanet 685, MedGen C0037773, MONDO:0019064. Disease mechanism: loss of function.

gnomAD v4.1: 2 of 1,201,331 alleles (0.00017%); highest among the groups gnomAD compares: South Asian, 0.0018%; no homozygotes.

Submissions (2):

GeneDx
Classification: Uncertain significance. Last evaluated: 2024-05-11. Review status: criteria provided, single submitter. Criteria: GeneDx Variant Classification Process June 2021. Collection method: clinical testing. Allele origin: germline. Affected: yes.
Comment: Not observed at significant frequency in large population cohorts (gnomAD); In silico analysis supports that this missense variant has a deleterious effect on protein structure/function; Missense variants in this gene are a common cause of disease and they are underrepresented in the general population; Has not been previously published as pathogenic or benign to our knowledge

Genome Diagnostics Laboratory, The Hospital for Sick Children
Classification: Uncertain significance for Hereditary spastic paraplegia. Last evaluated: 2020-03-01. Review status: criteria provided, single submitter. Criteria: ACMG Guidelines, 2015. Collection method: clinical testing. Allele origin: germline. Affected: yes.